The following is an entry in ClinVar:

ClinVar aggregate classification (germline): Uncertain significance (1 of 4 stars; one submission).

Conditions:
Familial thoracic aortic aneurysm and aortic dissection (TAAD). Also called: Thoracic aortic aneurysms and dissections. Identifiers: Orphanet 91387, MedGen C4707243, MONDO:0019625.

Submission:

Ambry Genetics
Classification: Uncertain significance for Familial thoracic aortic aneurysm and aortic dissection. Last evaluated: 2024-09-30. Review status: criteria provided, single submitter. Criteria: Ambry Variant Classification Scheme 2023. Collection method: clinical testing. Allele origin: germline.
Comment: The p.F1258C variant (also known as c.3773T>G), located in coding exon 19 of the MYLK gene, results from a T to G substitution at nucleotide position 3773. The phenylalanine at codon 1258 is replaced by cysteine, an amino acid with highly dissimilar properties. This amino acid position is conserved. In addition, this alteration is predicted to be tolerated by in silico analysis. Based on the available evidence, the clinical significance of this variant remains unclear.

NM_053025.4(MYLK):c.3773T>G (p.Phe1258Cys)

Gene: MYLK (myosin light chain kinase; minus strand). Cytogenetic location: 3q21.1.
Variant type: single nucleotide variant.
Coding change: c.3773T>G on transcript NM_053025.4 (MANE Select); coding-DNA position 3773, T replaced by G.
Protein change: p.Phe1258Cys; replaces phenylalanine 1258 with cysteine.
Molecular consequence: missense variant.
Genome position (GRCh38, 1-based): chr3:123,666,277, A>C on the plus strand (T>G on the coding strand, the complement: MYLK is on the minus strand). VCF-style: chr3-123666277-A-C. GRCh37 (hg19) VCF-style: chr3-123385124-A-C.
Other names: c.3245T>G, p.Phe1082Cys (NM_001321309.2); c.3566T>G, p.Phe1189Cys (NM_053026.4, NM_053028.4); c.3773T>G, p.Phe1258Cys (NM_053027.4); short protein forms F1082C, F1189C, F1258C.
Identifiers: ClinVar variation 3401107 (VCV003401107.1).